The following is an entry in ClinVar:

ClinVar aggregate classification (germline): Uncertain significance (1 of 4 stars; one submission).

Submission:

Labcorp Genetics (formerly Invitae), Labcorp
Classification: Uncertain significance. Last evaluated: 2024-03-16. Review status: criteria provided, single submitter. Criteria: Invitae Variant Classification Sherloc (09022015). Collection method: clinical testing. Allele origin: germline.
Comment: This sequence change replaces arginine, which is basic and polar, with cysteine, which is neutral and slightly polar, at codon 194 of the FOXI3 protein (p.Arg194Cys). This variant is not present in population databases (gnomAD no frequency). This variant has not been reported in the literature in individuals affected with FOXI3-related conditions. Experimental studies and prediction algorithms are not available or were not evaluated, and the functional significance of this variant is currently unknown. In summary, the available evidence is currently insufficient to determine the role of this variant in disease. Therefore, it has been classified as a Variant of Uncertain Significance.

NM_001135649.3(FOXI3):c.580C>T (p.Arg194Cys)

Gene: FOXI3 (forkhead box I3; minus strand). Cytogenetic location: 2p11.2.
Variant type: single nucleotide variant.
Coding change: c.580C>T on transcript NM_001135649.3 (MANE Select); coding-DNA position 580, C replaced by T.
Protein change: p.Arg194Cys; replaces arginine 194 with cysteine.
Molecular consequence: missense variant.
Genome position (GRCh38, 1-based): chr2:88,451,956, G>A on the plus strand (C>T on the coding strand, the complement: FOXI3 is on the minus strand). VCF-style: chr2-88451956-G-A. GRCh37 (hg19) VCF-style: chr2-88751475-G-A.
Other names: short protein forms R194C.
Identifiers: ClinVar variation 3646221 (VCV003646221.2).